The following is an entry in ClinVar:

ClinVar aggregate classification (germline): Likely benign. Review status: criteria provided, single submitter (1 of 4 stars). 2 submissions from 2 submitters: Likely benign (1). 1 of the submissions does not count toward it. Last evaluated 2019-05-08.

Conditions:
TTN-related disorder. Also called: TTN-related disorders; TTN-related condition; TTN-related disease.

Allele frequency attached by ClinVar (database versions not stated): gnomAD exomes 0.00001; ExAC 0.00003.
gnomAD v4.1: 5 of 1,613,632 alleles (0.00031%); highest among the groups gnomAD compares: South Asian, 0.0055%; no homozygotes.

Submissions (2):

Blueprint Genetics
Classification: Likely benign. Last evaluated: 2019-05-08. Review status: criteria provided, single submitter. Criteria: ACMG Guidelines, 2015. Collection method: clinical testing. Allele origin: germline.

PreventionGenetics, part of Exact Sciences
Classification: Likely benign for TTN-related condition. Last evaluated: 2022-12-28. Review status: no assertion criteria provided. Collection method: clinical testing. Allele origin: germline. Not counted in ClinVar's aggregate classification.
Comment: This variant is classified as likely benign based on ACMG/AMP sequence variant interpretation guidelines (Richards et al. 2015 PMID: 25741868, with internal and published modifications).

NM_001267550.2(TTN):c.26586G>A (p.Lys8862=)

Gene: TTN (titin; minus strand). Cytogenetic location: 2q31.2.
Variant type: single nucleotide variant.
Coding change: c.26586G>A on transcript NM_001267550.2 (MANE Select); coding-DNA position 26586, G replaced by A.
Protein change: p.Lys8862=; no amino-acid change (lysine 8862 retained).
Molecular consequence: synonymous variant. On other transcripts: intron variant (3).
Genome position (GRCh38, 1-based): chr2:178,714,072, C>T on the plus strand (G>A on the coding strand, the complement: TTN is on the minus strand). VCF-style: chr2-178714072-C-T. GRCh37 (hg19) VCF-style: chr2-179578799-C-T.
Other names: c.25635G>A, p.Lys8545= (NM_001256850.1); c.22854G>A, p.Lys7618= (NM_133378.4); c.13282+24010G>A (NM_003319.4); c.13858+24010G>A (NM_133437.4); c.13657+24010G>A (NM_133432.3).
Identifiers: ClinVar variation 3055180 (VCV003055180.3), dbSNP rs766475856, ClinGen allele CA1999968.